The following is an entry in ClinVar:

NM_153026.3(PRICKLE1):c.72T>G (p.Asp24Glu)

Gene: PRICKLE1 (prickle planar cell polarity protein 1; minus strand). Cytogenetic location: 12q12.
Variant type: single nucleotide variant.
Coding change: c.72T>G on transcript NM_153026.3 (MANE Select); coding-DNA position 72, T replaced by G.
Protein change: p.Asp24Glu; replaces aspartic acid 24 with glutamic acid.
Molecular consequence: missense variant.
Genome position (GRCh38, 1-based): chr12:42,472,445, A>C on the plus strand (T>G on the coding strand, the complement: PRICKLE1 is on the minus strand). VCF-style: chr12-42472445-A-C. GRCh37 (hg19) VCF-style: chr12-42866247-A-C.
Other names: c.72T>G, p.Asp24Glu (NM_001144881.2, NM_001144882.2, NM_001144883.2); short protein forms D24E.
Identifiers: ClinVar variation 572958 (VCV000572958.11), dbSNP rs1566087431, ClinGen allele CA384444823.

ClinVar aggregate classification (germline): Uncertain significance (1 of 4 stars; one submission).

Conditions:
Epilepsy, progressive myoclonic, 1B. Also called: PME. Identifiers: Orphanet 308, MedGen C2676254, MONDO:0012904, OMIM 612437.

Submission:

Labcorp Genetics (formerly Invitae), Labcorp
Classification: Uncertain significance for Epilepsy, progressive myoclonic, 1B. Last evaluated: 2023-08-10. Review status: criteria provided, single submitter. Criteria: Invitae Variant Classification Sherloc (09022015). Collection method: clinical testing. Allele origin: germline.
Comment: This sequence change replaces aspartic acid, which is acidic and polar, with glutamic acid, which is acidic and polar, at codon 24 of the PRICKLE1 protein (p.Asp24Glu). This variant is not present in population databases (gnomAD no frequency). This variant has not been reported in the literature in individuals affected with PRICKLE1-related conditions. ClinVar contains an entry for this variant (Variation ID: 572958). Advanced modeling of protein sequence and biophysical properties (such as structural, functional, and spatial information, amino acid conservation, physicochemical variation, residue mobility, and thermodynamic stability) performed at Invitae indicates that this missense variant is expected to disrupt PRICKLE1 protein function. In summary, the available evidence is currently insufficient to determine the role of this variant in disease. Therefore, it has been classified as a Variant of Uncertain Significance.